The following is an entry in ClinVar:

NM_001112.4(ADARB1):c.1719C>G (p.Leu573=)

Gene: ADARB1 (adenosine deaminase RNA specific B1; plus strand). Cytogenetic location: 21q22.3.
Variant type: single nucleotide variant.
Coding change: c.1719C>G on transcript NM_001112.4 (MANE Select); coding-DNA position 1719, C replaced by G.
Protein change: p.Leu573=; no amino-acid change (leucine 573 retained).
Molecular consequence: synonymous variant. On other transcripts: non-coding transcript variant (5).
Genome position (GRCh38, 1-based): chr21:45,204,708, C>G. VCF-style: chr21-45204708-C-G. GRCh37 (hg19) VCF-style: chr21-46624623-C-G.
Other names: c.651C>G, p.Leu217= (NM_001145407.1); c.1719C>G, p.Leu573= (NM_001160230.2, NM_001346688.2); c.1986C>G, p.Leu662= (NM_001346687.2); c.1866C>G, p.Leu622= (NM_001410722.1); c.1839C>G, p.Leu613= (NM_015833.4, NM_015834.4).
Identifiers: ClinVar variation 2652788 (VCV002652788.24), dbSNP rs141463450, ClinGen allele CA10064403.

ClinVar aggregate classification (germline): Likely benign (1 of 4 stars; one submission).

Allele frequency attached by ClinVar (database versions not stated): TOPMed 0.00041; gnomAD 0.00045; ExAC 0.00063; ESP Exome Variant Server 0.00069; 1000 Genomes Project 0.00100; 1000 Genomes Project 30x 0.00125.

Submission:

CeGaT Center for Human Genetics Tuebingen
Classification: Likely benign. Last evaluated: 2025-07-01. Review status: criteria provided, single submitter. Criteria: CeGaT Center For Human Genetics Tuebingen Variant Classification Criteria Version 2. Collection method: clinical testing. Allele origin: germline. Affected: yes. Observed: 4 variant alleles.
Comment: ADARB1: BP4, BP7